The following is an entry in ClinVar:

ClinVar aggregate classification (germline): Uncertain significance. Review status: criteria provided, multiple submitters, no conflicts (2 of 4 stars). 2 submissions from 2 submitters: Uncertain significance (2). Last evaluated 2022-08-16.

Allele frequency attached by ClinVar (database versions not stated): gnomAD exomes below 0.00001.
gnomAD v4.1: 7 of 1,613,906 alleles (0.00043%); highest among the groups gnomAD compares: East Asian, 0.0022%; no homozygotes.

Submissions (2):

GeneDx
Classification: Uncertain significance. Last evaluated: 2022-08-16. Review status: criteria provided, single submitter. Criteria: GeneDx Variant Classification Process June 2021. Collection method: clinical testing. Allele origin: germline. Affected: yes.
Comment: Not observed at significant frequency in large population cohorts (gnomAD); In silico analysis supports that this missense variant does not alter protein structure/function; Has not been previously published as pathogenic or benign to our knowledge

CeGaT Center for Human Genetics Tuebingen
Classification: Uncertain significance. Last evaluated: 2019-04-01. Review status: criteria provided, single submitter. Criteria: CeGaT Center For Human Genetics Tuebingen Variant Classification Criteria Version 2. Collection method: clinical testing. Allele origin: germline. Affected: yes. Observed: 2 variant alleles.

NM_032436.4(CHAMP1):c.1123G>A (p.Val375Ile)

Gene: CHAMP1 (chromosome alignment maintaining phosphoprotein 1; plus strand). Cytogenetic location: 13q34.
Variant type: single nucleotide variant.
Coding change: c.1123G>A on transcript NM_032436.4 (MANE Select); coding-DNA position 1123, G replaced by A.
Protein change: p.Val375Ile; replaces valine 375 with isoleucine.
Molecular consequence: missense variant.
Genome position (GRCh38, 1-based): chr13:114,324,965, G>A. VCF-style: chr13-114324965-G-A. GRCh37 (hg19) VCF-style: chr13-115090440-G-A.
Other names: c.1123G>A (NM_001164144.1); c.1123G>A, p.Val375Ile (NM_001164144.3, NM_001164145.3); short protein forms V375I.
Identifiers: ClinVar variation 807057 (VCV000807057.43), dbSNP rs1594130502, ClinGen allele CA388847814.